The following is an entry in ClinVar:

NM_002294.3(LAMP2):c.1033A>G (p.Ile345Val)

Gene: LAMP2 (lysosome associated membrane protein 2; minus strand). Cytogenetic location: Xq24.
Variant type: single nucleotide variant.
Coding change: c.1033A>G on transcript NM_002294.3 (MANE Select); coding-DNA position 1033, A replaced by G.
Protein change: p.Ile345Val; replaces isoleucine 345 with valine.
Molecular consequence: missense variant.
Genome position (GRCh38, 1-based): chrX:120,441,790, T>C on the plus strand (A>G on the coding strand, the complement: LAMP2 is on the minus strand). VCF-style: chrX-120441790-T-C. GRCh37 (hg19) VCF-style: chrX-119575645-T-C.
Other names: c.1033A>G, p.Ile345Val (NM_013995.2, NM_001122606.1); short protein forms I345V.
Identifiers: ClinVar variation 2889901 (VCV002889901.4), dbSNP rs1242464612, ClinGen allele CA414400016.

ClinVar aggregate classification (germline): Uncertain significance (1 of 4 stars; one submission).

Conditions:
Danon disease. Also called: Glycogen Storage Disease Type IIb; PSEUDOGLYCOGENOSIS II; GSD IIb; LYSOSOMAL GLYCOGEN STORAGE DISEASE WITHOUT ACID MALTASE DEFICIENCY; ANTOPOL DISEASE. Identifiers: Orphanet 34587, MedGen C0878677, MONDO:0010281, OMIM 300257.

Submissions (2):

Labcorp Genetics (formerly Invitae), Labcorp
Classification: Uncertain significance for Danon disease. Last evaluated: 2023-01-18. Review status: criteria provided, single submitter. Criteria: Invitae Variant Classification Sherloc (09022015). Collection method: clinical testing. Allele origin: germline.
Comment: This variant is not present in population databases (gnomAD no frequency). This variant has not been reported in the literature in individuals affected with LAMP2-related conditions. Advanced modeling of protein sequence and biophysical properties (such as structural, functional, and spatial information, amino acid conservation, physicochemical variation, residue mobility, and thermodynamic stability) performed at Invitae indicates that this missense variant is not expected to disrupt LAMP2 protein function. Algorithms developed to predict the effect of sequence changes on RNA splicing suggest that this variant may disrupt the consensus splice site. In summary, the available evidence is currently insufficient to determine the role of this variant in disease. Therefore, it has been classified as a Variant of Uncertain Significance. This sequence change replaces isoleucine, which is neutral and non-polar, with valine, which is neutral and non-polar, at codon 345 of the LAMP2 protein (p.Ile345Val).

Dr. Peter K. Rogan Lab, Western University
No classification provided (evidence only). Condition: Thyroid cancer, nonmedullary, 1. Review status: no classification provided. Collection method: in vitro. Allele origin: not applicable. Functional consequence: retained intron. Not counted in ClinVar's aggregate classification.